The following is an entry in ClinVar:

NM_000435.3(NOTCH3):c.1493-8C>T

Gene: NOTCH3 (notch receptor 3; minus strand). Cytogenetic location: 19p13.12.
Variant type: single nucleotide variant.
Coding change: c.1493-8C>T on transcript NM_000435.3 (MANE Select); 8 bases into the intron before coding-DNA position 1493, C replaced by T.
Molecular consequence: intron variant.
Genome position (GRCh38, 1-based): chr19:15,188,002, G>A on the plus strand (C>T on the coding strand, the complement: NOTCH3 is on the minus strand). VCF-style: chr19-15188002-G-A. GRCh37 (hg19) VCF-style: chr19-15298813-G-A.
Other names: p.?.
Identifiers: ClinVar variation 447787 (VCV000447787.9), dbSNP rs201202842, ClinGen allele CA9263617.
Genomic context (GRCh38, chr19:15,188,002, plus strand): 5'-GGGCGTGCTGGCGCATTCGTCCACGTCCAGCTGACACGTGGAGCCGCTGAAGCCTGGGGT[G>A]GGGAGTGGGATGAGCAGAGGCCCAGAAAGGGTGAGAGCAGTACACCCCTCTCCAGCCCCG-3'

ClinVar aggregate classification (germline): Benign/Likely benign. Review status: criteria provided, multiple submitters, no conflicts (2 of 4 stars). 5 submissions from 5 submitters: Benign (1); Likely benign (3). 1 of the submissions does not count toward it. Last evaluated 2025-10-07.

Conditions:
NOTCH3-related disorder. Also called: NOTCH3-related condition; NOTCH3-related disorders.

Allele frequency attached by ClinVar (database versions not stated): gnomAD exomes 0.00003 and 0.00006; ExAC 0.00015; gnomAD 0.00032; TOPMed 0.00032; 1000 Genomes Project 30x 0.00109; 1000 Genomes Project 0.00120.
gnomAD v4.1: 93 of 1,548,754 alleles (0.006%); highest among the groups gnomAD compares: African/African-American, 0.12%; no homozygotes.

Submissions (5):

Labcorp Genetics (formerly Invitae), Labcorp
Classification: Likely benign. Last evaluated: 2025-10-07. Review status: criteria provided, single submitter. Criteria: Invitae Variant Classification Sherloc (09022015). Collection method: clinical testing. Allele origin: germline.

ARUP Laboratories, Molecular Genetics and Genomics, ARUP Laboratories
Classification: Likely benign. Last evaluated: 2024-12-31. Review status: criteria provided, single submitter. Criteria: ARUP Molecular Germline Variant Investigation Process 2024. Collection method: clinical testing. Allele origin: germline.

Mayo Clinic Laboratories, Mayo Clinic
Classification: Likely benign. Last evaluated: 2024-12-30. Review status: criteria provided, single submitter. Criteria: ACMG Guidelines, 2015. Collection method: clinical testing. Allele origin: germline. Observed: 1 variant allele.
Comment: BP4, BP7

Athena Diagnostics
Classification: Benign. Last evaluated: 2017-04-11. Review status: criteria provided, single submitter. Criteria: Athena Diagnostics Criteria. Collection method: clinical testing. Allele origin: germline.

PreventionGenetics, part of Exact Sciences
Classification: Likely benign for NOTCH3-related condition. Last evaluated: 2024-03-12. Review status: no assertion criteria provided. Collection method: clinical testing. Allele origin: germline. Not counted in ClinVar's aggregate classification.
Comment: This variant is classified as likely benign based on ACMG/AMP sequence variant interpretation guidelines (Richards et al. 2015 PMID: 25741868, with internal and published modifications).